The following is an entry in ClinVar:

NM_001206979.2(NR1H4):c.1193-28T>G

Gene: NR1H4 (nuclear receptor subfamily 1 group H member 4; plus strand). Cytogenetic location: 12q23.1.
Variant type: single nucleotide variant.
Coding change: c.1193-28T>G on transcript NM_001206979.2 (MANE Select); 28 bases into the intron before coding-DNA position 1193, T replaced by G.
Molecular consequence: intron variant.
Genome position (GRCh38, 1-based): chr12:100,563,223, T>G. VCF-style: chr12-100563223-T-G. GRCh37 (hg19) VCF-style: chr12-100957001-T-G.
Other names: p.?; c.1193-28T>G (NM_001206977.2); c.1181-28T>G (NM_005123.4); c.1040-28T>G (NM_001206978.2); c.1223-28T>G (NM_001206993.2); c.1211-28T>G (NM_001206992.2).
Identifiers: ClinVar variation 4683769 (VCV004683769.1).
Genomic context (GRCh38, chr12:100,563,223, plus strand): 5'-TTCAAAATAGTTAACGTTGCTATAATTATGCTGAATTAATGCTTTTCCACTTTTTAATTT[T>G]GTCATTTTATTTTAAACTTCAAAACAGATAGACAATACATAAAGGATAGAGAGGCAGTAG-3'

ClinVar aggregate classification (germline): Likely benign (1 of 4 stars; one submission).

gnomAD v4.1: 7 of 1,542,290 alleles (0.00045%); highest among the groups gnomAD compares: Admixed American, 0.0033%; no homozygotes.

Submission:

Mayo Clinic Laboratories, Mayo Clinic
Classification: Likely benign. Last evaluated: 2025-02-25. Review status: criteria provided, single submitter. Criteria: ACMG Guidelines, 2015. Collection method: clinical testing. Allele origin: germline. Observed: 1 variant allele.
Comment: BP4, BP7, PM2_supporting